The following is an entry in ClinVar:

ClinVar aggregate classification (germline): Uncertain significance (1 of 4 stars; one submission).

Conditions:
DST-related disorder. Also called: DST-related disorders; DST-related condition.

gnomAD v4.1: 9 of 1,599,698 alleles (0.00056%); highest among the groups gnomAD compares: Non-Finnish European, 0.00068%; no homozygotes.

Submission:

PreventionGenetics, part of Exact Sciences
Classification: Uncertain significance for DST-related condition. Last evaluated: 2026-03-20. Review status: criteria provided, single submitter. Criteria: ACMG Guidelines, 2015. Collection method: clinical testing. Allele origin: germline.
Comment: The DST c.5522A>C variant is predicted to result in the amino acid substitution p.Lys1841Thr. To our knowledge, this variant has not been reported in the literature or in a large population database (gnomAD), indicating this variant is rare. At this time, the clinical significance of this variant is uncertain due to the absence of conclusive functional and genetic evidence.

NM_001374736.1(DST):c.11879A>C (p.Lys3960Thr)

Gene: DST (dystonin; minus strand). Cytogenetic location: 6p12.1.
Variant type: single nucleotide variant.
Coding change: c.11879A>C on transcript NM_001374736.1 (MANE Select); coding-DNA position 11879, A replaced by C.
Protein change: p.Lys3960Thr; replaces lysine 3960 with threonine.
Molecular consequence: missense variant.
Genome position (GRCh38, 1-based): chr6:56,598,525, T>G on the plus strand (A>C on the coding strand, the complement: DST is on the minus strand). VCF-style: chr6-56598525-T-G. GRCh37 (hg19) VCF-style: chr6-56463323-T-G.
Other names: c.5522A>C, p.Lys1841Thr (NM_001144769.5); c.5108A>C, p.Lys1703Thr (NM_001144770.2); c.11879A>C, p.Lys3960Thr (NM_001374722.1); c.11246A>C, p.Lys3749Thr (NM_001374729.1); c.4988A>C, p.Lys1663Thr (NM_001374730.1, NM_001386100.1, NM_183380.4); c.11906A>C, p.Lys3969Thr (NM_001374734.1); c.4010A>C, p.Lys1337Thr (NM_015548.5); short protein forms K1663T, K1841T, K3749T, K3969T, K1337T, K3960T, K1703T.
Identifiers: ClinVar variation 4988719 (VCV004988719.1).